The following is an entry in ClinVar:

NM_002769.5(PRSS1):c.112C>G (p.Gln38Glu)

Genes: PRSS1 (serine protease 1; plus strand), TRB (T cell receptor beta locus; plus strand). Cytogenetic location: 7q34.
Variant type: single nucleotide variant.
Coding change: c.112C>G on transcript NM_002769.5 (MANE Select); coding-DNA position 112, C replaced by G.
Protein change: p.Gln38Glu; replaces glutamine 38 with glutamic acid.
Molecular consequence: missense variant.
Genome position (GRCh38, 1-based): chr7:142,750,626, C>G. VCF-style: chr7-142750626-C-G. GRCh37 (hg19) VCF-style: chr7-142458477-C-G.
Other names: short protein forms Q38E.
Identifiers: ClinVar variation 1497768 (VCV001497768.10), dbSNP rs775259109, ClinGen allele CA4529680.
Genomic context (GRCh38, chr7:142,750,626, plus strand): 5'-TTTGATGATGATGACAAGATCGTTGGGGGCTACAACTGTGAGGAGAATTCTGTCCCCTAC[C>G]AGGTGTCCCTGAATTCTGGCTACCACTTCTGTGGTGGCTCCCTCATCAACGAACAGTGGG-3'
Protein context (NP_002760.1, residues 28-48): YNCEENSVPY[Gln38Glu]VSLNSGYHFC

ClinVar aggregate classification (germline): Uncertain significance. Review status: criteria provided, multiple submitters, no conflicts (2 of 4 stars). 2 submissions from 2 submitters: Uncertain significance (2). Last evaluated 2024-02-01.

Conditions:
Hereditary pancreatitis (PCTT). Also called: Hereditary chronic pancreatitis; PRSS1-Related Hereditary Pancreatitis. Identifiers: Orphanet 676, MedGen C0238339, MONDO:0008185, OMIM 167800.

Allele frequency attached by ClinVar (database versions not stated): gnomAD exomes below 0.00001; gnomAD 0.00001; TOPMed 0.00002.

Submissions (2):

Ambry Genetics
Classification: Uncertain significance for Hereditary pancreatitis. Last evaluated: 2024-02-01. Review status: criteria provided, single submitter. Criteria: Ambry Variant Classification Scheme 2023. Collection method: clinical testing. Allele origin: germline.
Comment: The p.Q38E variant (also known as c.112C>G), located in coding exon 2 of the PRSS1 gene, results from a C to G substitution at nucleotide position 112. The glutamine at codon 38 is replaced by glutamic acid, an amino acid with highly similar properties. This amino acid position is conserved. In addition, the in silico prediction for this alteration is inconclusive. Since supporting evidence is limited at this time, the clinical significance of this alteration remains unclear.

Labcorp Genetics (formerly Invitae), Labcorp
Classification: Uncertain significance for Hereditary pancreatitis. Last evaluated: 2020-12-07. Review status: criteria provided, single submitter. Criteria: Invitae Variant Classification Sherloc (09022015). Collection method: clinical testing. Allele origin: germline.
Comment: In summary, the available evidence is currently insufficient to determine the role of this variant in disease. Therefore, it has been classified as a Variant of Uncertain Significance. Algorithms developed to predict the effect of missense changes on protein structure and function are either unavailable or do not agree on the potential impact of this missense change (SIFT: "Deleterious"; PolyPhen-2: "Probably Damaging"; Align-GVGD: "Class C0"). This variant has not been reported in the literature in individuals with PRSS1-related conditions. This variant is present in population databases (rs775259109, ExAC 0.001%). This sequence change replaces glutamine with glutamic acid at codon 38 of the PRSS1 protein (p.Gln38Glu). The glutamine residue is highly conserved and there is a small physicochemical difference between glutamine and glutamic acid.